The following is an entry in ClinVar:

ClinVar aggregate classification (germline): Likely benign. Review status: criteria provided, multiple submitters, no conflicts (2 of 4 stars). 2 submissions from 2 submitters: Likely benign (2). Last evaluated 2020-07-13.

Conditions:
EAST syndrome (SESAMES). Also called: SEIZURES, SENSORINEURAL DEAFNESS, ATAXIA, IMPAIRED INTELLECTUAL DEVELOPMENT, AND ELECTROLYTE IMBALANCE. Identifiers: Orphanet 199343, MedGen C2748572, MONDO:0013005, OMIM 612780.

Allele frequency attached by ClinVar (database versions not stated): gnomAD 0.00001; gnomAD exomes 0.00001; TOPMed 0.00001.
gnomAD v4.1: 11 of 1,614,132 alleles (0.00068%); highest among the groups gnomAD compares: Non-Finnish European, 0.00085%; no homozygotes.

Submissions (2):

Labcorp Genetics (formerly Invitae), Labcorp
Classification: Likely benign for EAST syndrome. Last evaluated: 2020-07-13. Review status: criteria provided, single submitter. Criteria: Invitae Variant Classification Sherloc (09022015). Collection method: clinical testing. Allele origin: germline.

GeneDx
Classification: Likely benign. Last evaluated: 2017-06-22. Review status: criteria provided, single submitter. Criteria: GeneDx Variant Classification (06012015). Collection method: clinical testing. Allele origin: germline. Affected: yes.
Comment: This variant is considered likely benign or benign based on one or more of the following criteria: it is a conservative change, it occurs at a poorly conserved position in the protein, it is predicted to be benign by multiple in silico algorithms, and/or has population frequency not consistent with disease.

NM_002241.5(KCNJ10):c.117G>T (p.Val39=)

Gene: KCNJ10 (potassium inwardly rectifying channel subfamily J member 10; minus strand). Cytogenetic location: 1q23.2.
Variant type: single nucleotide variant.
Coding change: c.117G>T on transcript NM_002241.5 (MANE Select); coding-DNA position 117, G replaced by T.
Protein change: p.Val39=; no amino-acid change (valine 39 retained).
Molecular consequence: synonymous variant.
Genome position (GRCh38, 1-based): chr1:160,042,416, C>A on the plus strand (G>T on the coding strand, the complement: KCNJ10 is on the minus strand). VCF-style: chr1-160042416-C-A. GRCh37 (hg19) VCF-style: chr1-160012206-C-A.
Identifiers: ClinVar variation 510417 (VCV000510417.10), dbSNP rs898999212, ClinGen allele CA31471446.